The following is an entry in ClinVar:

ClinVar aggregate classification (germline): Uncertain significance (1 of 4 stars; one submission).

Conditions:
Chédiak-Higashi syndrome (CHS). Also called: Chediak-Higashi Syndrome. Identifiers: Orphanet 167, MedGen C0007965, MONDO:0008963, OMIM 214500.

Allele frequency attached by ClinVar (database versions not stated): gnomAD exomes 0.00001; ExAC 0.00002; gnomAD 0.00009; TOPMed 0.00009.
gnomAD v4.1: 22 of 1,613,814 alleles (0.0014%); highest among the groups gnomAD compares: African/African-American, 0.028%; no homozygotes.

Submission:

Labcorp Genetics (formerly Invitae), Labcorp
Classification: Uncertain significance for Chédiak-Higashi syndrome. Last evaluated: 2025-01-19. Review status: criteria provided, single submitter. Criteria: Invitae Variant Classification Sherloc (09022015). Collection method: clinical testing. Allele origin: germline.
Comment: This sequence change replaces leucine, which is neutral and non-polar, with valine, which is neutral and non-polar, at codon 647 of the LYST protein (p.Leu647Val). This variant is present in population databases (rs756249440, gnomAD 0.03%). This variant has not been reported in the literature in individuals affected with LYST-related conditions. ClinVar contains an entry for this variant (Variation ID: 1379852). Invitae Evidence Modeling of protein sequence and biophysical properties (such as structural, functional, and spatial information, amino acid conservation, physicochemical variation, residue mobility, and thermodynamic stability) indicates that this missense variant is not expected to disrupt LYST protein function with a negative predictive value of 80%. In summary, the available evidence is currently insufficient to determine the role of this variant in disease. Therefore, it has been classified as a Variant of Uncertain Significance.

NM_000081.4(LYST):c.1939C>G (p.Leu647Val)

Gene: LYST (lysosomal trafficking regulator; minus strand). Cytogenetic location: 1q42.3.
Variant type: single nucleotide variant.
Coding change: c.1939C>G on transcript NM_000081.4 (MANE Select); coding-DNA position 1939, C replaced by G.
Protein change: p.Leu647Val; replaces leucine 647 with valine.
Molecular consequence: missense variant.
Genome position (GRCh38, 1-based): chr1:235,808,879, G>C on the plus strand (C>G on the coding strand, the complement: LYST is on the minus strand). VCF-style: chr1-235808879-G-C. GRCh37 (hg19) VCF-style: chr1-235972179-G-C.
Other names: c.1939C>G, p.Leu647Val (NM_001301365.1); short protein forms L647V.
Identifiers: ClinVar variation 1379852 (VCV001379852.6), dbSNP rs756249440, ClinGen allele CA1467379.